The following is an entry in ClinVar:

NM_000051.4(ATM):c.6101G>C (p.Arg2034Pro)

Genes: ATM (ATM serine/threonine kinase; plus strand), C11orf65 (chromosome 11 open reading frame 65; minus strand). Cytogenetic location: 11q22.3.
Variant type: single nucleotide variant.
Coding change: c.6101G>C on transcript NM_000051.4 (MANE Select); coding-DNA position 6101, G replaced by C.
Protein change: p.Arg2034Pro; replaces arginine 2034 with proline.
Molecular consequence: missense variant. On other transcripts: intron variant (2).
Genome position (GRCh38, 1-based): chr11:108,316,016, G>C. VCF-style: chr11-108316016-G-C. GRCh37 (hg19) VCF-style: chr11-108186743-G-C.
Other names: c.6101G>C, p.Arg2034Pro (NM_001351834.2); c.641-6945C>G (NM_001330368.2); c.*39-6945C>G (NM_001351110.2); short protein forms R2034P.
Identifiers: ClinVar variation 1425695 (VCV001425695.8), dbSNP rs3218670, ClinGen allele CA382550311.
Genomic context (GRCh38, chr11:108,316,016, plus strand): 5'-GAAGGAGTTATGTGTGTGTAAAACCCAAAGCTATTTTCACAATCTTTTCTTATAGACTAC[G>C]AACATATGAACACGAAGCAATGTGGGGCAAAGCCCTAGTAACATATGACCTCGAAACAGC-3'
Protein context (NP_000042.3, residues 2024-2044): GKMLQPITRL[Arg2034Pro]TYEHEAMWGK

ClinVar aggregate classification (germline): Uncertain significance (1 of 4 stars; one submission).

Conditions:
Ataxia-telangiectasia syndrome (AT). Also called: Ataxia-telangiectasia; LOUIS-BAR SYNDROME; Ataxia-telangiectasia, complementation group D; AT, COMPLEMENTATION GROUP C; ATAXIA-TELANGIECTASIA, COMPLEMENTATION GROUP A; ATAXIA-TELANGIECTASIA, FRESNO VARIANT. Identifiers: Orphanet 100, MedGen C0004135, MONDO:0008840, OMIM 208900.

gnomAD v4.1: 1 of 1,614,018 alleles (0.000062%); highest among the groups gnomAD compares: Non-Finnish European, 0.000085%; no homozygotes.

Submission:

Labcorp Genetics (formerly Invitae), Labcorp
Classification: Uncertain significance for Ataxia-telangiectasia syndrome. Last evaluated: 2021-05-25. Review status: criteria provided, single submitter. Criteria: Invitae Variant Classification Sherloc (09022015). Collection method: clinical testing. Allele origin: germline.
Comment: This variant is not present in population databases (ExAC no frequency). This sequence change replaces arginine with proline at codon 2034 of the ATM protein (p.Arg2034Pro). The arginine residue is moderately conserved and there is a moderate physicochemical difference between arginine and proline. This variant has not been reported in the literature in individuals with ATM-related conditions. Advanced modeling of protein sequence and biophysical properties (such as structural, functional, and spatial information, amino acid conservation, physicochemical variation, residue mobility, and thermodynamic stability) performed at Invitae indicates that this missense variant is not expected to disrupt ATM protein function. In summary, the available evidence is currently insufficient to determine the role of this variant in disease. Therefore, it has been classified as a Variant of Uncertain Significance.